The following is an entry in ClinVar:

ClinVar aggregate classification (germline): Pathogenic (1 of 4 stars; one submission).

Conditions:
Cerebral cavernous malformation (CCM). Also called: CAVERNOUS ANGIOMA, FAMILIAL; CAVERNOUS ANGIOMATOUS MALFORMATIONS; CEREBRAL CAPILLARY MALFORMATIONS; Cavernous Hemangioma of Brain; Cerebral cavernous malformations; Cerebral cavernous hemangioma (type). Identifiers: Orphanet 221061, MedGen C2919945, MONDO:0000820, OMIM 116860, HP:0033522.

Submission:

Seattle Children's Hospital Molecular Genetics Laboratory, Seattle Children's Hospital
Classification: Pathogenic for Cerebral cavernous malformation. Review status: criteria provided, single submitter. Criteria: ACMG Guidelines, 2015. Collection method: clinical testing. Allele origin: germline. Affected: yes.
Comment: The p.Lys682* variant is predicted to substitute the lysine at amino acid position 682 with a premature stop codon, likely resulting in loss-of-function. While this exact variant has not been reported in the medical literature or patient databases, other nonsense variants, including the neighboring p.Tyr683* (ClinVar Variation ID: 1074639), have been observed in multiple individuals with cerebral cavernous malformations (CCMs). The p.Lys682* variant is absent from large population studies (gnomAD v4.0.0). KRIT1 haploinsufficiency is a well-established mechanism of disease.

NM_194454.3(KRIT1):c.2044A>T (p.Lys682Ter)

Gene: KRIT1 (KRIT1 ankyrin repeat containing; minus strand). Cytogenetic location: 7q21.2.
Variant type: single nucleotide variant.
Coding change: c.2044A>T on transcript NM_194454.3 (MANE Select); coding-DNA position 2044, A replaced by T.
Protein change: p.Lys682Ter; replaces lysine 682 with a stop codon.
Molecular consequence: nonsense.
Genome position (GRCh38, 1-based): chr7:92,201,405, T>A on the plus strand (A>T on the coding strand, the complement: KRIT1 is on the minus strand). VCF-style: chr7-92201405-T-A. GRCh37 (hg19) VCF-style: chr7-91830719-T-A.
Other names: c.1900A>T, p.Lys634Ter (NM_001013406.2, NM_001350669.1, NM_001350670.1); c.1330A>T, p.Lys444Ter (NM_001350671.1); c.2044A>T, p.Lys682Ter (NM_001350672.1, NM_001350673.1, NM_001350674.1 and 26 more transcripts); short protein forms K444*, K634*, K682*.
Identifiers: ClinVar variation 3340458 (VCV003340458.1).